The following is an entry in ClinVar:

NM_177438.3(DICER1):c.2570T>C (p.Ile857Thr)

Gene: DICER1 (dicer 1, ribonuclease III; minus strand). Cytogenetic location: 14q32.13.
Variant type: single nucleotide variant.
Coding change: c.2570T>C on transcript NM_177438.3 (MANE Select); coding-DNA position 2570, T replaced by C.
Protein change: p.Ile857Thr; replaces isoleucine 857 with threonine.
Molecular consequence: missense variant.
Genome position (GRCh38, 1-based): chr14:95,107,960, A>G on the plus strand (T>C on the coding strand, the complement: DICER1 is on the minus strand). VCF-style: chr14-95107960-A-G. GRCh37 (hg19) VCF-style: chr14-95574297-A-G.
Other names: c.2570T>C, p.Ile857Thr (NM_001195573.1, NM_001271282.3, NM_001291628.2 and 1 more transcripts); short protein forms I857T.
Identifiers: ClinVar variation 947128 (VCV000947128.10), dbSNP rs1290998883, ClinGen allele CA390881624.

ClinVar aggregate classification (germline): Uncertain significance. Review status: criteria provided, multiple submitters, no conflicts (2 of 4 stars). 2 submissions from 2 submitters: Uncertain significance (2). Last evaluated 2023-03-03.

Conditions:
DICER1-related tumor predisposition. Also called: DICER1-related pleuropulmonary blastoma cancer predisposition syndrome; DICER1 syndrome. Identifiers: Orphanet 284343, MedGen C3839822, MONDO:0100216.
Hereditary cancer-predisposing syndrome. Also called: Neoplastic Syndromes, Hereditary; Hereditary neoplastic syndrome; Hereditary Cancer Syndrome; Tumor predisposition. Identifiers: Orphanet 140162, MedGen C0027672, MeSH D009386, MONDO:0015356.

Allele frequency attached by ClinVar (database versions not stated): gnomAD exomes below 0.00001 and 0.00001; TOPMed below 0.00001.
gnomAD v4.1: 2 of 1,613,942 alleles (0.00012%); highest among the groups gnomAD compares: African/African-American, 0.0013%; no homozygotes.

Submissions (2):

Ambry Genetics
Classification: Uncertain significance for Hereditary cancer-predisposing syndrome. Last evaluated: 2023-03-03. Review status: criteria provided, single submitter. Criteria: Ambry Variant Classification Scheme 2023. Collection method: clinical testing. Allele origin: germline.
Comment: The p.I857T variant (also known as c.2570T>C), located in coding exon 15 of the DICER1 gene, results from a T to C substitution at nucleotide position 2570. The isoleucine at codon 857 is replaced by threonine, an amino acid with similar properties. This amino acid position is highly conserved in available vertebrate species. In addition, this alteration is predicted to be deleterious by in silico analysis. Since supporting evidence is limited at this time, the clinical significance of this alteration remains unclear.

Labcorp Genetics (formerly Invitae), Labcorp
Classification: Uncertain significance for DICER1-related tumor predisposition. Last evaluated: 2021-09-01. Review status: criteria provided, single submitter. Criteria: Invitae Variant Classification Sherloc (09022015). Collection method: clinical testing. Allele origin: germline.
Comment: This sequence change replaces isoleucine with threonine at codon 857 of the DICER1 protein (p.Ile857Thr). The isoleucine residue is highly conserved and there is a moderate physicochemical difference between isoleucine and threonine. This variant is not present in population databases (ExAC no frequency). This variant has not been reported in the literature in individuals affected with DICER1-related conditions. Algorithms developed to predict the effect of missense changes on protein structure and function (SIFT, PolyPhen-2, Align-GVGD) all suggest that this variant is likely to be disruptive. In summary, the available evidence is currently insufficient to determine the role of this variant in disease. Therefore, it has been classified as a Variant of Uncertain Significance.